The following is an entry in ClinVar:

ClinVar aggregate classification (germline): Likely pathogenic. Review status: criteria provided, multiple submitters, no conflicts (2 of 4 stars). 3 submissions from 3 submitters: Likely pathogenic (3). Last evaluated 2025-03-18.

Conditions:
Combined malonic and methylmalonic acidemia. Identifiers: Orphanet 289504, MedGen C3280314, MONDO:0013661, OMIM 614265.

Submissions (3):

Natera, Inc.
Classification: Likely pathogenic for Combined malonic and methylmalonic aciduria. Last evaluated: 2025-03-18. Review status: criteria provided, single submitter. Criteria: Natera Variant Classification Schema (03/2026). Collection method: clinical testing. Allele origin: germline.
Comment: The c.1718delT variant in ACSF3 is a frameshift variant predicted to elongate the protein beyond the termination codon. This variant may result in a truncated or dysfunctional protein product. This variant is rare in the general population with a frequency below the threshold expected for the associated phenotype(s). This variant has been observed in one or more individuals affected with the associated recessive disease, as either homozygous or compound heterozygous with a second variant (PMID: 30740739). This variant has been identified in one or more affected individuals with a phenotype highly consistent with the associated gene (PMID: 30740739). Given the available evidence, this variant is classified as Likely Pathogenic.

Baylor Genetics
Classification: Likely pathogenic for Combined malonic and methylmalonic acidemia. Last evaluated: 2023-10-03. Review status: criteria provided, single submitter. Criteria: ACMG Guidelines, 2015. Collection method: clinical testing. Allele origin: unknown.

GeneDx
Classification: Likely pathogenic. Last evaluated: 2016-10-20. Review status: criteria provided, single submitter. Criteria: GeneDx Variant Classification (06012015). Collection method: clinical testing. Allele origin: germline. Affected: yes.
Comment: The c.1718delT variant in the ACSF3 gene causes a frameshift starting with codon Phenylalanine 573, changes this amino acid to a Serine residue and creates a premature Stop codon at position 99 of the new reading frame, denoted p.Phe573SerfsX99. The normal sequence with the base that is deleted in braces is: CACT{T}CCAC. This variant is predicted to cause loss of normal protein function through protein truncation. The c.1718delT variant, previously reported as a pathogenic variant, has been classified as a likely pathogenic variant based on review of the data in the context of the 2015 ACMG Standards and guidelines for the interpretation of sequence variants (Richards et al., 2015).

Literature cited by the submitters: PubMed 30740739 (cited by Natera, Inc.).

NM_001243279.3(ACSF3):c.1718del (p.Phe573fs)

Gene: ACSF3 (acyl-CoA synthetase family member 3; plus strand). Cytogenetic location: 16q24.3.
Variant type: Deletion.
Coding change: c.1718del on transcript NM_001243279.3 (MANE Select); coding-DNA position 1718, one base deleted (T; older notation c.1718delT).
Protein change: p.Phe573fs; shifts the reading frame from phenylalanine 573.
Molecular consequence: frameshift variant. On other transcripts: non-coding transcript variant (4).
Genome position (GRCh38, 1-based): chr16:89,154,194, T deleted; the last of 2 consecutive T bases (chr16:89,154,193-89,154,194); deleting either gives the same sequence. VCF-style (leftmost placement, unchanged base first): chr16-89154192-CT-C. GRCh37 (hg19) VCF-style: chr16-89220600-CT-C.
Other names: c.1718del, p.Phe573fs (NM_001127214.4, NM_174917.5); c.923del, p.Phe308fs (NM_001284316.2); c.1718delT (NM_174917.4); short protein forms F573fs, F308fs.
Identifiers: ClinVar variation 203610 (VCV000203610.5), dbSNP rs796051924, ClinGen allele CA312318.